The following is an entry in ClinVar:

ClinVar aggregate classification (germline): Likely benign (0 of 4 stars; one submission).

Conditions:
UPF3B-related disorder. Also called: UPF3B-related condition.

Allele frequency attached by ClinVar (database versions not stated): gnomAD exomes 0.00001.
gnomAD v4.1: 12 of 1,187,564 alleles (0.001%); highest among the groups gnomAD compares: Middle Eastern, 0.3%; no homozygotes.

Submission:

PreventionGenetics, part of Exact Sciences
Classification: Likely benign for UPF3B-related condition. Last evaluated: 2019-07-31. Review status: no assertion criteria provided. Collection method: clinical testing. Allele origin: germline.
Comment: This variant is classified as likely benign based on ACMG/AMP sequence variant interpretation guidelines (Richards et al. 2015 PMID: 25741868, with internal and published modifications).

NM_080632.3(UPF3B):c.685A>C (p.Arg229=)

Gene: UPF3B (UPF3B regulator of nonsense mediated mRNA decay; minus strand). Cytogenetic location: Xq24.
Variant type: single nucleotide variant.
Coding change: c.685A>C on transcript NM_080632.3 (MANE Select); coding-DNA position 685, A replaced by C.
Protein change: p.Arg229=; no amino-acid change (arginine 229 retained).
Molecular consequence: synonymous variant.
Genome position (GRCh38, 1-based): chrX:119,841,198, T>G on the plus strand (A>C on the coding strand, the complement: UPF3B is on the minus strand). VCF-style: chrX-119841198-T-G. GRCh37 (hg19) VCF-style: chrX-118975161-T-G.
Other names: c.685A>C, p.Arg229= (NM_023010.4).
Identifiers: ClinVar variation 3035782 (VCV003035782.2), dbSNP rs868350080, ClinGen allele CA334125148.